The following is an entry in ClinVar:

ClinVar aggregate classification (germline): Uncertain significance (1 of 4 stars; one submission).

Submission:

Labcorp Genetics (formerly Invitae), Labcorp
Classification: Uncertain significance. Last evaluated: 2022-01-23. Review status: criteria provided, single submitter. Criteria: Invitae Variant Classification Sherloc (09022015). Collection method: clinical testing. Allele origin: germline.
Comment: In summary, the available evidence is currently insufficient to determine the role of this variant in disease. Therefore, it has been classified as a Variant of Uncertain Significance. Algorithms developed to predict the effect of missense changes on protein structure and function are either unavailable or do not agree on the potential impact of this missense change (SIFT: "Deleterious"; PolyPhen-2: "Possibly Damaging"; Align-GVGD: "Class C0"). This variant has not been reported in the literature in individuals affected with SZT2-related conditions. This variant is not present in population databases (gnomAD no frequency). This sequence change replaces methionine, which is neutral and non-polar, with threonine, which is neutral and polar, at codon 318 of the SZT2 protein (p.Met318Thr).

NM_001365999.1(SZT2):c.953T>C (p.Met318Thr)

Gene: SZT2 (SZT2 subunit of KICSTOR complex; plus strand). Cytogenetic location: 1p34.2.
Variant type: single nucleotide variant.
Coding change: c.953T>C on transcript NM_001365999.1 (MANE Select); coding-DNA position 953, T replaced by C.
Protein change: p.Met318Thr; replaces methionine 318 with threonine.
Molecular consequence: missense variant.
Genome position (GRCh38, 1-based): chr1:43,419,807, T>C. VCF-style: chr1-43419807-T-C. GRCh37 (hg19) VCF-style: chr1-43885478-T-C.
Other names: c.953T>C, p.Met318Thr (NM_015284.4); short protein forms M318T.
Identifiers: ClinVar variation 2083601 (VCV002083601.4), dbSNP rs2545800346, ClinGen allele CA340005984.